The following is an entry in ClinVar:

NM_000168.6(GLI3):c.3180C>G (p.Phe1060Leu)

Gene: GLI3 (GLI family zinc finger 3; minus strand). Cytogenetic location: 7p14.1.
Variant type: single nucleotide variant.
Coding change: c.3180C>G on transcript NM_000168.6 (MANE Select); coding-DNA position 3180, C replaced by G.
Protein change: p.Phe1060Leu; replaces phenylalanine 1060 with leucine.
Molecular consequence: missense variant.
Genome position (GRCh38, 1-based): chr7:41,965,893, G>C on the plus strand (C>G on the coding strand, the complement: GLI3 is on the minus strand). VCF-style: chr7-41965893-G-C. GRCh37 (hg19) VCF-style: chr7-42005491-G-C.
Other names: short protein forms F1060L.
Identifiers: ClinVar variation 4755580 (VCV004755580.1).

ClinVar aggregate classification (germline): Uncertain significance (1 of 4 stars; one submission).

gnomAD v4.1: 1 of 1,613,680 alleles (0.000062%); highest among the groups gnomAD compares: Non-Finnish European, 0.000085%; no homozygotes.

Submission:

GeneDx
Classification: Uncertain significance. Last evaluated: 2025-08-05. Review status: criteria provided, single submitter. Criteria: GeneDx Variant Classification Process June 2021. Collection method: clinical testing. Allele origin: germline. Affected: yes.
Comment: Not observed at significant frequency in large population cohorts (gnomAD); In silico analysis suggests that this missense variant does not alter protein structure/function; Has not been previously published as pathogenic or benign to our knowledge